The following is an entry in ClinVar:

NM_001378183.1(PIEZO2):c.3622A>G (p.Ile1208Val)

Gene: PIEZO2 (piezo type mechanosensitive ion channel component 2; minus strand). Cytogenetic location: 18p11.22.
Variant type: single nucleotide variant.
Coding change: c.3622A>G on transcript NM_001378183.1 (MANE Select); coding-DNA position 3622, A replaced by G.
Protein change: p.Ile1208Val; replaces isoleucine 1208 with valine.
Molecular consequence: missense variant.
Genome position (GRCh38, 1-based): chr18:10,759,738, T>C on the plus strand (A>G on the coding strand, the complement: PIEZO2 is on the minus strand). VCF-style: chr18-10759738-T-C. GRCh37 (hg19) VCF-style: chr18-10759736-T-C.
Other names: c.3622A>G, p.Ile1208Val (NM_001410871.1); c.3547A>G, p.Ile1183Val (NM_022068.4); short protein forms I1183V, I1208V.
Identifiers: ClinVar variation 3772111 (VCV003772111.13).
Genomic context (GRCh38, chr18:10,759,738, plus strand): 5'-GACGGCTCAAGGGAAGGGCAGGCTCACCTCGGCAAGGAGCAGGTGGGATGCCAATGCAGA[T>C]GAAATACTGGAAGGTGATGATGCATGCCAGGAAGCAGCAGTACTTGGGCCAGATCTCTGC-3'
Protein context (NP_001365112.1, residues 1198-1218): LACIITFQYF[Ile1208Val]CIGIPPAPCR

ClinVar aggregate classification (germline): Uncertain significance (1 of 4 stars; one submission).

gnomAD v4.1: 12 of 1,537,208 alleles (0.00078%); highest among the groups gnomAD compares: South Asian, 0.0083%; no homozygotes.

Submission:

CeGaT Center for Human Genetics Tuebingen
Classification: Uncertain significance. Last evaluated: 2024-12-01. Review status: criteria provided, single submitter. Criteria: CeGaT Center For Human Genetics Tuebingen Variant Classification Criteria Version 2. Collection method: clinical testing. Allele origin: germline. Affected: yes. Observed: 1 variant allele.
Comment: PIEZO2: PM2, BP4